The following is an entry in ClinVar:

NM_145207.3(AFG2A):c.2672A>G (p.His891Arg)

Gene: AFG2A (AAA ATPase AFG2A; plus strand). Cytogenetic location: 4q28.1.
Variant type: single nucleotide variant.
Coding change: c.2672A>G on transcript NM_145207.3 (MANE Select); coding-DNA position 2672, A replaced by G.
Protein change: p.His891Arg; replaces histidine 891 with arginine.
Molecular consequence: missense variant.
Genome position (GRCh38, 1-based): chr4:123,314,054, A>G. VCF-style: chr4-123314054-A-G. GRCh37 (hg19) VCF-style: chr4-124235209-A-G.
Other names: c.2669A>G, p.His890Arg (NM_001345856.2); short protein forms H891R, H890R.
Identifiers: ClinVar variation 2224428 (VCV002224428.4), dbSNP rs770218770, ClinGen allele CA3070783.
Genomic context (GRCh38, chr4:123,314,054, plus strand): 5'-CTAGAATTCCTGAGTCATTGAGACGTTTTTATGAAGATTATCAAGAGAAGAGTGGGCTGC[A>G]TACACTCTGAGAAAATATATATATTCAAGATGCTGAAAATCCTTTCCAGAGAAAATTTGT-3'
Protein context (NP_660208.2, residues 881-893): YEDYQEKSGL[His891Arg]TL

ClinVar aggregate classification (germline): Uncertain significance. Review status: criteria provided, multiple submitters, no conflicts (2 of 4 stars). 2 submissions from 2 submitters: Uncertain significance (2). Last evaluated 2025-11-24.

Conditions:
Inborn genetic diseases. Identifiers: MedGen C0950123, MeSH D030342.
Microcephaly-intellectual disability-sensorineural hearing loss-epilepsy-abnormal muscle tone syndrome (NEDHSB). Also called: NEURODEVELOPMENTAL DISORDER WITH HEARING LOSS, SEIZURES, AND BRAIN ABNORMALITIES. Identifiers: Orphanet 457351, MedGen C4225276, MONDO:0014698, OMIM 616577.

Allele frequency attached by ClinVar (database versions not stated): ExAC 0.00001.
gnomAD v4.1: 31 of 1,570,528 alleles (0.002%); highest among the groups gnomAD compares: Middle Eastern, 0.017%; no homozygotes.

Submissions (2):

Labcorp Genetics (formerly Invitae), Labcorp
Classification: Uncertain significance for Microcephaly-intellectual disability-sensorineural hearing loss-epilepsy-abnormal muscle tone syndrome. Last evaluated: 2025-11-24. Review status: criteria provided, single submitter. Criteria: Invitae Variant Classification Sherloc (09022015). Collection method: clinical testing. Allele origin: germline.
Comment: This sequence change replaces histidine, which is basic and polar, with arginine, which is basic and polar, at codon 891 of the SPATA5 protein (p.His891Arg). This variant is present in population databases (rs770218770, gnomAD 0.007%). This variant has not been reported in the literature in individuals affected with SPATA5-related conditions. ClinVar contains an entry for this variant (Variation ID: 2224428). Invitae Evidence Modeling of protein sequence and biophysical properties (such as structural, functional, and spatial information, amino acid conservation, physicochemical variation, residue mobility, and thermodynamic stability) has been performed for this missense variant. However, the output from this modeling did not meet the statistical confidence thresholds required to predict the impact of this variant on SPATA5 protein function. In summary, the available evidence is currently insufficient to determine the role of this variant in disease. Therefore, it has been classified as a Variant of Uncertain Significance.

Ambry Genetics
Classification: Uncertain significance for Inborn genetic diseases. Last evaluated: 2021-06-23. Review status: criteria provided, single submitter. Criteria: Ambry Variant Classification Scheme 2023. Collection method: clinical testing. Allele origin: germline.